The following is an entry in ClinVar:

ClinVar aggregate classification (germline): Likely pathogenic (1 of 4 stars; one submission).

Submission:

GeneDx
Classification: Likely pathogenic. Last evaluated: 2019-09-23. Review status: criteria provided, single submitter. Criteria: GeneDx Variant Classification Process June 2021. Collection method: clinical testing. Allele origin: germline. Affected: yes.
Comment: Has not been previously published as pathogenic or benign to our knowledge; Frameshift variant predicted to result in protein truncation or nonsense mediated decay in a gene for which loss-of-function is a known mechanism of disease; Not observed in large population cohorts (Lek et al., 2016)

NM_007059.4(KPTN):c.773_780del (p.Leu258fs)

Gene: KPTN (kaptin, actin binding protein; minus strand). Cytogenetic location: 19q13.32.
Variant type: Deletion.
Coding change: c.773_780del on transcript NM_007059.4 (MANE Select); coding-DNA positions 773 to 780, 8 bases deleted (TCTCGGCC; older notation c.773_780delTCTCGGCC).
Protein change: p.Leu258fs; shifts the reading frame from leucine 258.
Molecular consequence: frameshift variant. On other transcripts: non-coding transcript variant (1).
Genome position (GRCh38, 1-based): chr19:47,479,870-47,479,877, GGCCGAGA deleted on the plus strand (TCTCGGCC on the coding strand, the reverse complement: KPTN is on the minus strand); deleting any 8 consecutive bases within chr19:47,479,870-47,479,880 gives the same sequence; the c. name uses the placement nearest the transcript's 3' end. VCF-style (leftmost placement, unchanged base first): chr19-47479869-CGGCCGAGA-C. GRCh37 (hg19) VCF-style: chr19-47983126-CGGCCGAGA-C.
Other names: c.605_612del, p.Leu202fs (NM_001291296.2); short protein forms L202fs, L258fs.
Identifiers: ClinVar variation 1206726 (VCV001206726.3), dbSNP rs2122687547, ClinGen allele CA2499225533.